The following is an entry in ClinVar:

ClinVar aggregate classification (germline): Likely pathogenic (1 of 4 stars; one submission).

Conditions:
Severe myoclonic epilepsy in infancy (DRVT). Also called: Dravet syndrome; Epileptic encephalopathy, early infantile, 6 (Dravet syndrome); SEVERE MYOCLONIC EPILEPSY OF INFANCY; DEVELOPMENTAL AND EPILEPTIC ENCEPHALOPATHY 6A; Severe Myoclonic Epilepsy in Infancy (SMEI). Identifiers: Orphanet 33069, MedGen C0751122, MONDO:0100135, OMIM 607208.

Submission:

Neuberg Centre For Genomic Medicine, NCGM
Classification: Likely pathogenic for Severe myoclonic epilepsy in infancy. Review status: criteria provided, single submitter. Criteria: ACMG Guidelines, 2015. Collection method: clinical testing. Allele origin: germline. Affected: yes.
Comment: The frameshift deletion p.T723Qfs*2 in SCN1A (NM_001165963.4) has not been reported previously as a pathogenic variant nor as a benign variant, to our knowledge. The p.T723Qfs*2 variant is novel (not in any individuals) in gnomAD Exomes and is novel (not in any individuals) in 1000 Genomes. This variant is predicted to cause loss of normal protein function through protein truncation. Loss of function variants have been previously reported to be disease causing. For these reasons, this variant has been classified as Likely Pathogenic.

NM_001165963.4(SCN1A):c.2167del (p.Thr723fs)

Gene: SCN1A (sodium voltage-gated channel alpha subunit 1; minus strand). Cytogenetic location: 2q24.3.
Variant type: Deletion.
Coding change: c.2167del on transcript NM_001165963.4 (MANE Select); coding-DNA position 2167, one base deleted (A; older notation c.2167delA).
Protein change: p.Thr723fs; shifts the reading frame from threonine 723.
Molecular consequence: frameshift variant. On other transcripts: 5 prime UTR variant (1), non-coding transcript variant (1).
Genome position (GRCh38, 1-based): chr2:166,042,301, T deleted on the plus strand (A on the coding strand, the reverse complement: SCN1A is on the minus strand). VCF-style (leftmost placement, unchanged base first): chr2-166042300-GT-G. GRCh37 (hg19) VCF-style: chr2-166898810-GT-G.
Other names: c.2083del, p.Thr695fs (NM_001165964.3, NM_001353957.2, NM_001353958.2); c.2167del, p.Thr723fs (NM_001202435.3, NM_001353948.2); c.2134del, p.Thr712fs (NM_001353949.2, NM_001353950.2, NM_001353951.2 and 2 more transcripts); c.2131del, p.Thr711fs (NM_001353954.2, NM_001353955.2); c.2080del, p.Thr694fs (NM_001353960.2); c.-292del (NM_001353961.2); short protein forms T694fs, T695fs, T711fs, T712fs, T723fs.
Identifiers: ClinVar variation 1878652 (VCV001878652.1), dbSNP rs2468140689, ClinGen allele CA2580064729.
Genomic context (GRCh38, chr2:166,042,300, plus strand): 5'-CAATATAAGTTTGGTGAAAATAATTGAAACGAAAATAGAATTTGTTACCAACCTTCTACT[GT>G]ATTTGTTAGAATGCTGGCTATACTCATTGCTCGTTGCCTTTGGGAAGGATCTTCTAGAAA-3'